The following is an entry in ClinVar:

ClinVar aggregate classification (germline): Pathogenic (1 of 4 stars; one submission).

Submission:

Ambry Genetics
Classification: Pathogenic. Last evaluated: 2026-02-13. Review status: criteria provided, single submitter. Criteria: Ambry Variant Classification Scheme 2023. Collection method: clinical testing. Allele origin: germline.
Comment: The c.2525G>A (p.W842*) alteration, located in coding exon 19 of the LRRC7 gene, consists of a G to A substitution at nucleotide position 2525. This changes the amino acid from a tryptophan (W) to a stop codon at amino acid position 842. This alteration is expected to result in loss of function by premature protein truncation or nonsense-mediated mRNA decay. This variant was not reported in population-based cohorts in the Genome Aggregation Database (gnomAD). Based on the available evidence, this alteration is classified as pathogenic.

NM_020794.2:c.2525G>A

Gene: LRRC7 (leucine rich repeat containing 7; plus strand).
Variant type: single nucleotide variant.
Identifiers: ClinVar variation 4831341 (VCV004831341.1).